The following is an entry in ClinVar:

NM_000179.3(MSH6):c.3489del (p.Val1164fs)

Gene: MSH6 (mutS homolog 6; plus strand). Cytogenetic location: 2p16.3.
Variant type: Deletion.
Coding change: c.3489del on transcript NM_000179.3 (MANE Select); coding-DNA position 3489, one base deleted (A; older notation c.3489delA).
Protein change: p.Val1164fs; shifts the reading frame from valine 1164.
Molecular consequence: frameshift variant.
Genome position (GRCh38, 1-based): chr2:47,804,960, A deleted; the last of 2 consecutive A bases (chr2:47,804,959-47,804,960); deleting either gives the same sequence. VCF-style (leftmost placement, unchanged base first): chr2-47804958-GA-G. GRCh37 (hg19) VCF-style: chr2-48032097-GA-G.
Other names: c.3099del, p.Val1034fs (NM_001281492.2); c.2583del, p.Val862fs (NM_001281493.2, NM_001281494.2); c.3585delA, p.Val1196Cysfs (NM_001406795.1, NM_001406802.1); c.3489delA, p.Val1164Cysfs (NM_001406796.1, NM_001406800.1, NM_001406808.1 and 1 more transcripts); c.3192delA, p.Val1065Cysfs (NM_001406797.1, NM_001406801.1, NM_001406805.1 and 10 more transcripts); c.3315delA, p.Val1106Cysfs (NM_001406798.1); c.2964delA, p.Val989Cysfs (NM_001406799.1, NM_001406806.1, NM_001406807.1); c.2625delA, p.Val876Cysfs (NM_001406803.1); and 8 more; short protein forms V1164fs, V862fs, V1034fs.
Identifiers: ClinVar variation 1731901 (VCV001731901.2), dbSNP rs2530801642, ClinGen allele CA2580067161.

ClinVar aggregate classification (germline): Pathogenic (1 of 4 stars; one submission).

Conditions:
Hereditary cancer-predisposing syndrome. Also called: Neoplastic Syndromes, Hereditary; Tumor predisposition; Hereditary Cancer Syndrome; Hereditary neoplastic syndrome. Identifiers: Orphanet 140162, MedGen C0027672, MeSH D009386, MONDO:0015356.

Submission:

Ambry Genetics
Classification: Pathogenic for Hereditary cancer-predisposing syndrome. Last evaluated: 2017-10-04. Review status: criteria provided, single submitter. Criteria: Ambry Variant Classification Scheme 2023. Collection method: clinical testing. Allele origin: germline.
Comment: The c.3489delA variant, located in coding exon 6 of the MSH6 gene, results from a deletion of one nucleotide at nucleotide position 3489, causing a translational frameshift with a predicted alternate stop codon (p.V1164Cfs*20). This alteration is expected to result in loss of function by premature protein truncation or nonsense-mediated mRNA decay. As such, this alteration is interpreted as a disease-causing mutation.